The following is an entry in ClinVar:

NM_001009944.3(PKD1):c.2877C>T (p.Ala959=)

Gene: PKD1 (polycystin 1, transient receptor potential channel interacting; minus strand). Cytogenetic location: 16p13.3.
Variant type: single nucleotide variant.
Coding change: c.2877C>T on transcript NM_001009944.3 (MANE Select); coding-DNA position 2877, C replaced by T.
Protein change: p.Ala959=; no amino-acid change (alanine 959 retained).
Molecular consequence: synonymous variant.
Genome position (GRCh38, 1-based): chr16:2,113,269, G>A on the plus strand (C>T on the coding strand, the complement: PKD1 is on the minus strand). VCF-style: chr16-2113269-G-A. GRCh37 (hg19) VCF-style: chr16-2163270-G-A.
Other names: c.2877C>T, p.Ala959= (NM_000296.4).
Identifiers: ClinVar variation 3902149 (VCV003902149.1).

ClinVar aggregate classification (germline): Likely benign (1 of 4 stars; one submission).

gnomAD v4.1: 9 of 1,588,356 alleles (0.00057%); highest among the groups gnomAD compares: East Asian, 0.0045%; no homozygotes.

Submission:

Women's Health and Genetics/Laboratory Corporation of America, LabCorp
Classification: Likely benign. Last evaluated: 2025-05-19. Review status: criteria provided, single submitter. Criteria: LabCorp Variant Classification Summary - May 2015. Collection method: clinical testing. Allele origin: germline.
Comment: Variant summary: PKD1 c.2877C>T alters a conserved nucleotide resulting in a synonymous change. Consensus agreement among computation tools predict no significant impact on normal splicing. However, these predictions have yet to be confirmed by functional studies. The frequency data for this variant in gnomAD is considered unreliable, as metrics indicate poor data quality at this position. To our knowledge, no occurrence of c.2877C>T in individuals affected with PKD1-Biallelic Autosomal Recessive Polycystic Kidney Disease and no experimental evidence demonstrating its impact on protein function have been reported. No submitters have cited clinical-significance assessments for this variant to ClinVar. Based on the evidence outlined above, the variant was classified as likely benign.